The following is an entry in ClinVar:

NM_000159.4(GCDH):c.192G>T (p.Glu64Asp)

Genes: GCDH (glutaryl-CoA dehydrogenase; plus strand), LOC117125594 (CRISPRi-FlowFISH-validated KLF1 regulatory element; plus strand). Cytogenetic location: 19p13.13.
Variant type: single nucleotide variant.
Coding change: c.192G>T on transcript NM_000159.4 (MANE Select); coding-DNA position 192, G replaced by T.
Protein change: p.Glu64Asp; replaces glutamic acid 64 with aspartic acid.
Molecular consequence: missense variant. On other transcripts: non-coding transcript variant (2).
Genome position (GRCh38, 1-based): chr19:12,891,895, G>T. VCF-style: chr19-12891895-G-T. GRCh37 (hg19) VCF-style: chr19-13002709-G-T.
Other names: c.192G>T; p.Glu64Asp; c.192G>T (NM_000159.3); c.192G>T, p.Glu64Asp (NM_013976.5); short protein forms E64D.
Identifiers: ClinVar variation 550794 (VCV000550794.15), dbSNP rs1555749239, ClinGen allele CA404315075.
Genomic context (GRCh38, chr19:12,891,895, plus strand): 5'-GCGTCCCGAGTTTGACTGGCAGGACCCGCTGGTGCTGGAGGAGCAGCTGACCACAGATGA[G>T]ATCCTCATCAGGGACACCTTCCGCACCTACTGCCAGGAGAGACTCATGCCTCGCATCCTG-3'
Protein context (NP_000150.1, residues 54-74): LVLEEQLTTD[Glu64Asp]ILIRDTFRTY

ClinVar aggregate classification (germline): Pathogenic/Likely pathogenic. Review status: criteria provided, multiple submitters, no conflicts (2 of 4 stars). 4 submissions from 4 submitters: Pathogenic (2); Likely pathogenic (1). 1 of the submissions does not count toward it. Last evaluated 2025-07-22.

Conditions:
Glutaric aciduria, type 1. Also called: GA I; Glutaricaciduria, type I; Glutaric Acidemia Type 1; Glutaricacidemia Type 1; Glutaryl-CoA dehydrogenase deficiency; Glutaric acidemia type I. Identifiers: Orphanet 25, MedGen C0268595, MONDO:0009281, OMIM 231670.

Submissions (4):

Natera, Inc.
Classification: Likely pathogenic for Glutaric acidemia type 1. Last evaluated: 2025-07-22. Review status: criteria provided, single submitter. Criteria: Natera Variant Classification Schema (03/2026). Collection method: clinical testing. Allele origin: germline.
Comment: The c.192G>T variant in GCDH is a missense variant predicted to cause substitution of glutamic acid to aspartic acid at amino acid 64. This variant is rare in the general population with a frequency below the threshold expected for the associated phenotype(s). This variant has been observed in one or more individuals affected with the associated recessive disease, as either homozygous or compound heterozygous with a second variant (PMID: 27896087, 15505393, 24973495). Computational prediction algorithms indicate this variant is likely to affect gene or protein function. Given the available evidence, this variant is classified as Likely Pathogenic.

Labcorp Genetics (formerly Invitae), Labcorp
Classification: Pathogenic for Glutaric aciduria, type 1. Last evaluated: 2025-03-03. Review status: criteria provided, single submitter. Criteria: Invitae Variant Classification Sherloc (09022015). Collection method: clinical testing. Allele origin: germline.
Comment: This sequence change replaces glutamic acid, which is acidic and polar, with aspartic acid, which is acidic and polar, at codon 64 of the GCDH protein (p.Glu64Asp). This variant is not present in population databases (gnomAD no frequency). This missense change has been observed in individual(s) with glutaric acidemia type I (PMID: 24973495). ClinVar contains an entry for this variant (Variation ID: 550794). Invitae Evidence Modeling of protein sequence and biophysical properties (such as structural, functional, and spatial information, amino acid conservation, physicochemical variation, residue mobility, and thermodynamic stability) indicates that this missense variant is expected to disrupt GCDH protein function with a positive predictive value of 80%. For these reasons, this variant has been classified as Pathogenic.

Biochemical Genetics Department, Cyprus Institute of Neurology and Genetics
Classification: Pathogenic for Glutaric aciduria, type 1. Review status: criteria provided, single submitter. Criteria: ACMG Guidelines, 2015. Collection method: clinical testing. Allele origin: germline. Inheritance: Autosomal recessive inheritance. Affected: yes. Observed: 8 variant alleles, 5 compound heterozygotes, 3 homozygotes.
Comment: In silico analysis of the p.Glu64Asp variant predicted it as deleterious. Seven different bioinformatic tools (PolyPhen-2, SIFT, PANTHER, Condel, Eris, Mupro and PhD-SNP) were used for this prediction.

Counsyl
Classification: Likely pathogenic for Glutaric aciduria, type 1. Last evaluated: 2017-02-21. Review status: no assertion criteria provided. Collection method: clinical testing. Allele origin: unknown. Not counted in ClinVar's aggregate classification.

Literature cited by the submitters: PubMed 27896087 (cited by Natera, Inc. and Counsyl); PubMed 15505393 (cited by Natera, Inc. and Counsyl); PubMed 24973495 (cited by 3 submitters).